The following is an entry in ClinVar:

ClinVar aggregate classification (germline): Uncertain significance (1 of 4 stars; one submission).

Submission:

Labcorp Genetics (formerly Invitae), Labcorp
Classification: Uncertain significance. Last evaluated: 2024-10-30. Review status: criteria provided, single submitter. Criteria: Invitae Variant Classification Sherloc (09022015). Collection method: clinical testing. Allele origin: germline.
Comment: This sequence change replaces proline, which is neutral and non-polar, with alanine, which is neutral and non-polar, at codon 905 of the A2ML1 protein (p.Pro905Ala). This variant is not present in population databases (gnomAD no frequency). This variant has not been reported in the literature in individuals affected with A2ML1-related conditions. An algorithm developed to predict the effect of missense changes on protein structure and function (PolyPhen-2) suggests that this variant is likely to be tolerated. In summary, the available evidence is currently insufficient to determine the role of this variant in disease. Therefore, it has been classified as a Variant of Uncertain Significance.

NM_144670.6(A2ML1):c.2713C>G (p.Pro905Ala)

Gene: A2ML1 (alpha-2-macroglobulin like 1; plus strand). Cytogenetic location: 12p13.31.
Variant type: single nucleotide variant.
Coding change: c.2713C>G on transcript NM_144670.6 (MANE Select); coding-DNA position 2713, C replaced by G.
Protein change: p.Pro905Ala; replaces proline 905 with alanine.
Molecular consequence: missense variant.
Genome position (GRCh38, 1-based): chr12:8,854,780, C>G. VCF-style: chr12-8854780-C-G. GRCh37 (hg19) VCF-style: chr12-9007376-C-G.
Other names: c.1240C>G, p.Pro414Ala (NM_001282424.3); short protein forms P414A, P905A.
Identifiers: ClinVar variation 3618090 (VCV003618090.2).